The following is an entry in ClinVar:

NM_015040.4(PIKFYVE):c.3166A>G (p.Ile1056Val)

Gene: PIKFYVE (phosphoinositide kinase, FYVE-type zinc finger containing; plus strand). Cytogenetic location: 2q34.
Variant type: single nucleotide variant.
Coding change: c.3166A>G on transcript NM_015040.4 (MANE Select); coding-DNA position 3166, A replaced by G.
Protein change: p.Ile1056Val; replaces isoleucine 1056 with valine.
Molecular consequence: missense variant.
Genome position (GRCh38, 1-based): chr2:208,325,977, A>G. VCF-style: chr2-208325977-A-G. GRCh37 (hg19) VCF-style: chr2-209190701-A-G.
Other names: short protein forms I1056V.
Identifiers: ClinVar variation 3035245 (VCV003035245.2), dbSNP rs142274980, ClinGen allele CA2079998.

ClinVar aggregate classification (germline): Likely benign (0 of 4 stars; one submission).

Conditions:
PIKFYVE-related disorder. Also called: PIKFYVE-related condition.

Allele frequency attached by ClinVar (database versions not stated): gnomAD exomes 0.00005; ExAC 0.00026; 1000 Genomes Project 0.00040; gnomAD 0.00058; 1000 Genomes Project 30x 0.00062; ESP Exome Variant Server 0.00062; TOPMed 0.00070.
gnomAD v4.1: 168 of 1,614,016 alleles (0.01%); highest among the groups gnomAD compares: African/African-American, 0.19%; no homozygotes.

Submission:

PreventionGenetics, part of Exact Sciences
Classification: Likely benign for PIKFYVE-related condition. Last evaluated: 2019-07-31. Review status: no assertion criteria provided. Collection method: clinical testing. Allele origin: germline.
Comment: This variant is classified as likely benign based on ACMG/AMP sequence variant interpretation guidelines (Richards et al. 2015 PMID: 25741868, with internal and published modifications).